The following is an entry in ClinVar:

ClinVar aggregate classification (germline): Likely benign. Review status: criteria provided, single submitter (1 of 4 stars). 2 submissions from 2 submitters: Likely benign (1). 1 of the submissions does not count toward it. Last evaluated 2018-03-29.

Conditions:
P4HA2-related disorder. Also called: P4HA2-related condition.

Allele frequency attached by ClinVar (database versions not stated): ESP Exome Variant Server 0.00015; gnomAD 0.00021 and 0.00024; TOPMed 0.00024; ExAC 0.00025; gnomAD exomes 0.00033 and 0.00046.

Submissions (2):

Labcorp Genetics (formerly Invitae), Labcorp
Classification: Likely benign. Last evaluated: 2018-03-29. Review status: criteria provided, single submitter. Criteria: Invitae Variant Classification Sherloc (09022015). Collection method: clinical testing. Allele origin: germline.

PreventionGenetics, part of Exact Sciences
Classification: Likely benign for P4HA2-related condition. Last evaluated: 2019-03-28. Review status: no assertion criteria provided. Collection method: clinical testing. Allele origin: germline. Not counted in ClinVar's aggregate classification.
Comment: This variant is classified as likely benign based on ACMG/AMP sequence variant interpretation guidelines (Richards et al. 2015 PMID: 25741868, with internal and published modifications).

NM_001017974.2(P4HA2):c.645T>C (p.Tyr215=)

Gene: P4HA2 (prolyl 4-hydroxylase subunit alpha 2; minus strand). Cytogenetic location: 5q31.1.
Variant type: single nucleotide variant.
Coding change: c.645T>C on transcript NM_001017974.2 (MANE Select); coding-DNA position 645, T replaced by C.
Protein change: p.Tyr215=; no amino-acid change (tyrosine 215 retained).
Molecular consequence: synonymous variant.
Genome position (GRCh38, 1-based): chr5:132,210,348, A>G on the plus strand (T>C on the coding strand, the complement: P4HA2 is on the minus strand). VCF-style: chr5-132210348-A-G. GRCh37 (hg19) VCF-style: chr5-131546041-A-G.
Other names: c.645T>C, p.Tyr215= (NM_001142598.2, NM_001142599.2, NM_001365677.2 and 5 more transcripts).
Identifiers: ClinVar variation 769658 (VCV000769658.5), dbSNP rs142426918, ClinGen allele CA3402667.